The following is an entry in ClinVar:

NM_001015877.2(PHF6):c.*1098+4T>C

Gene: PHF6 (PHD finger protein 6; plus strand). Cytogenetic location: Xq26.2.
Variant type: single nucleotide variant.
Coding change: c.*1098+4T>C on transcript NM_001015877.2 (MANE Select); 4 bases into the intron after 1098 bases downstream of the stop codon, T replaced by C.
Molecular consequence: intron variant. On other transcripts: 3 prime UTR variant (1).
Genome position (GRCh38, 1-based): chrX:134,425,334, T>C. VCF-style: chrX-134425334-T-C. GRCh37 (hg19) VCF-style: chrX-133559364-T-C.
Other names: c.*4T>C (NM_032458.3).
Identifiers: ClinVar variation 3355981 (VCV003355981.1).

ClinVar aggregate classification (germline): Likely benign (0 of 4 stars; one submission).

Conditions:
PHF6-related disorder. Also called: PHF6-related condition.

Submission:

PreventionGenetics, part of Exact Sciences
Classification: Likely benign for PHF6-related condition. Last evaluated: 2023-06-22. Review status: no assertion criteria provided. Collection method: clinical testing. Allele origin: germline.
Comment: This variant is classified as likely benign based on ACMG/AMP sequence variant interpretation guidelines (Richards et al. 2015 PMID: 25741868, with internal and published modifications).